The following is an entry in ClinVar:

ClinVar aggregate classification (germline): Likely benign (1 of 4 stars; one submission).

Allele frequency attached by ClinVar (database versions not stated): gnomAD 0.00005; ExAC 0.00009; gnomAD exomes 0.00015.
gnomAD v4.1: 210 of 1,559,390 alleles (0.013%); highest among the groups gnomAD compares: Non-Finnish European, 0.017%; no homozygotes.

Submission:

CeGaT Center for Human Genetics Tuebingen
Classification: Likely benign. Last evaluated: 2024-07-01. Review status: criteria provided, single submitter. Criteria: CeGaT Center For Human Genetics Tuebingen Variant Classification Criteria Version 2. Collection method: clinical testing. Allele origin: germline. Affected: yes. Observed: 2 variant alleles.
Comment: P4HTM: BP4, BP7

NM_177939.3(P4HTM):c.99G>A (p.Gln33=)

Genes: P4HTM (prolyl 4-hydroxylase, transmembrane; plus strand), LOC129936725 (ATAC-STARR-seq lymphoblastoid silent region 14344; plus strand). Cytogenetic location: 3p21.31.
Variant type: single nucleotide variant.
Coding change: c.99G>A on transcript NM_177939.3 (MANE Select); coding-DNA position 99, G replaced by A.
Protein change: p.Gln33=; no amino-acid change (glutamine 33 retained).
Molecular consequence: synonymous variant.
Genome position (GRCh38, 1-based): chr3:48,990,355, G>A. VCF-style: chr3-48990355-G-A. GRCh37 (hg19) VCF-style: chr3-49027788-G-A.
Other names: c.99G>A, p.Gln33= (NM_177938.2).
Identifiers: ClinVar variation 2653807 (VCV002653807.24), dbSNP rs753996691, ClinGen allele CA2388168.